The following is an entry in ClinVar:

ClinVar aggregate classification (germline): Conflicting classifications of pathogenicity. Review status: criteria provided, conflicting classifications (1 of 4 stars). 5 submissions from 4 submitters: Uncertain significance (2); Benign (1); Likely benign (1). 1 of the submissions does not count toward it. Last evaluated 2025-06-08.

Conditions:
Maturity-onset diabetes of the young (MODY). Also called: Maturity onset diabetes mellitus in young. Identifiers: Orphanet 552, MedGen C0342276, MONDO:0018911, HP:0004904.
Familial hyperinsulinism. Also called: Congenital hyperinsulinism. Identifiers: Orphanet 276525, MedGen C3888018, MONDO:0017182. Disease mechanism: loss of function.
Maturity-onset diabetes of the young type 1. Also called: MILD JUVENILE DIABETES MELLITUS; MODY, type I; MODY type 1; Diabetes mellitus MODY type 1; MODY HNF4A related; HNF4A-Related Maturity-Onset Diabetes of the Young Type 1. Identifiers: Orphanet 552, MedGen C1852093, MONDO:0007452, OMIM 125850. Disease mechanism: loss of function.
HNF4A-related disorder. Also called: HNF4A-related condition.

Allele frequency attached by ClinVar (database versions not stated): gnomAD 0.00016; 1000 Genomes Project 0.00020; 1000 Genomes Project 30x 0.00031; TOPMed 0.00036.
gnomAD v4.1: 317 of 1,609,480 alleles (0.02%); highest among the groups gnomAD compares: Admixed American, 0.098%; no homozygotes.

Submissions (5):

Labcorp Genetics (formerly Invitae), Labcorp
Classification: Likely benign. Last evaluated: 2025-06-08. Review status: criteria provided, single submitter. Criteria: Invitae Variant Classification Sherloc (09022015). Collection method: clinical testing. Allele origin: germline.

Illumina Laboratory Services, Illumina
Classification: Uncertain significance for Maturity-onset diabetes of the young type 1. Last evaluated: 2018-01-12. Review status: criteria provided, single submitter. Criteria: ICSL Variant Classification Criteria 13 December 2019. Collection method: clinical testing. Allele origin: germline.

Illumina Laboratory Services, Illumina
Classification: Uncertain significance for Familial hyperinsulinism. Last evaluated: 2018-01-12. Review status: criteria provided, single submitter. Criteria: ICSL Variant Classification Criteria 13 December 2019. Collection method: clinical testing. Allele origin: germline.

Clinical Genomics, Uppaluri K&H Personalized Medicine Clinic
Classification: Benign for Maturity-onset diabetes of the young. Review status: criteria provided, single submitter. Criteria: K & H Uppaluri Personalized Medicine Clinic Variant Classification & Assertion Criteria_Updated V.1. Collection method: research. Allele origin: unknown. Inheritance: Autosomal dominant inheritance.
Comment: Potent mutations in HNF4A are associated with poor insulin secretion in response to hyperglycemia. Associated with MODY1. Patients initially respond well to sulfonylureas but eventually become insulin dependent. However, more evidence is required to ascertain the role of this particular variant rs566155738 in MODY, yet.

PreventionGenetics, part of Exact Sciences
Classification: Likely benign for HNF4A-related condition. Last evaluated: 2019-04-29. Review status: no assertion criteria provided. Collection method: clinical testing. Allele origin: germline. Not counted in ClinVar's aggregate classification.
Comment: This variant is classified as likely benign based on ACMG/AMP sequence variant interpretation guidelines (Richards et al. 2015 PMID: 25741868, with internal and published modifications).

Literature cited by the submitters: DOI 10.1159/000334532 (cited by Clinical Genomics, Uppaluri K&H Personalized Medicine Clinic); PubMed 18268044 (cited by Clinical Genomics, Uppaluri K&H Personalized Medicine Clinic); PubMed 17563455 (cited by Clinical Genomics, Uppaluri K&H Personalized Medicine Clinic); PubMed 32583173 (cited by Clinical Genomics, Uppaluri K&H Personalized Medicine Clinic); PubMed 35052457 (cited by Clinical Genomics, Uppaluri K&H Personalized Medicine Clinic); PubMed 35118593 (cited by Clinical Genomics, Uppaluri K&H Personalized Medicine Clinic).

NM_175914.5(HNF4A):c.50-4753G>A

Gene: HNF4A (hepatocyte nuclear factor 4 alpha; plus strand). Cytogenetic location: 20q13.12.
Variant type: single nucleotide variant.
Coding change: c.50-4753G>A on transcript NM_175914.5 (MANE Select); 4753 bases into the intron before coding-DNA position 50, G replaced by A.
Molecular consequence: intron variant. On other transcripts: 5 prime UTR variant (4).
Genome position (GRCh38, 1-based): chr20:44,401,305, G>A. VCF-style: chr20-44401305-G-A. GRCh37 (hg19) VCF-style: chr20-43029945-G-A.
Other names: c.-68G>A (NM_000457.6, NM_178849.3, NM_178850.3); c.-180G>A (NM_001258355.2); c.41-4753G>A (NM_001287182.2, NM_001287183.2, NM_001287184.2); c.50-4753G>A (NM_001030003.3, NM_001030004.3, NM_175914.4).
Identifiers: ClinVar variation 338423 (VCV000338423.12), dbSNP rs566155738, ClinGen allele CA10649717.